The following is an entry in ClinVar:

NM_001366385.1(CARD14):c.1462G>A (p.Val488Met)

Gene: CARD14 (caspase recruitment domain family member 14; plus strand). Cytogenetic location: 17q25.3.
Variant type: single nucleotide variant.
Coding change: c.1462G>A on transcript NM_001366385.1 (MANE Select); coding-DNA position 1462, G replaced by A.
Protein change: p.Val488Met; replaces valine 488 with methionine.
Molecular consequence: missense variant. On other transcripts: non-coding transcript variant (1).
Genome position (GRCh38, 1-based): chr17:80,195,296, G>A. VCF-style: chr17-80195296-G-A. GRCh37 (hg19) VCF-style: chr17-78169095-G-A.
Other names: c.1462G>A, p.Val488Met (NM_001257970.1, NM_024110.4); c.751G>A, p.Val251Met (NM_052819.3); short protein forms V251M, V488M.
Identifiers: ClinVar variation 1044913 (VCV001044913.9), dbSNP rs2040670895, ClinGen allele CA401349122.

ClinVar aggregate classification (germline): Uncertain significance (1 of 4 stars; one submission).

Conditions:
Psoriasis 2. Identifiers: MedGen C1864497, MONDO:0011269, OMIM 602723.
Pityriasis rubra pilaris (PRP). Also called: Pityriasis rubra pilaris--familial type. Identifiers: Orphanet 2897, MedGen C0032027, MONDO:0100017, OMIM 173200, MONDO:0008251.

Allele frequency attached by ClinVar (database versions not stated): gnomAD exomes below 0.00001.
gnomAD v4.1: 5 of 1,612,896 alleles (0.00031%); highest among the groups gnomAD compares: East Asian, 0.0089%; no homozygotes.

Submission:

Labcorp Genetics (formerly Invitae), Labcorp
Classification: Uncertain significance for Pityriasis rubra pilaris; Psoriasis 2. Last evaluated: 2025-11-03. Review status: criteria provided, single submitter. Criteria: Invitae Variant Classification Sherloc (09022015). Collection method: clinical testing. Allele origin: germline.
Comment: This sequence change replaces valine, which is neutral and non-polar, with methionine, which is neutral and non-polar, at codon 488 of the CARD14 protein (p.Val488Met). This variant is not present in population databases (gnomAD no frequency). This variant has not been reported in the literature in individuals affected with CARD14-related conditions. ClinVar contains an entry for this variant (Variation ID: 1044913). Invitae Evidence Modeling of protein sequence and biophysical properties (such as structural, functional, and spatial information, amino acid conservation, physicochemical variation, residue mobility, and thermodynamic stability) indicates that this missense variant is not expected to disrupt CARD14 protein function with a negative predictive value of 95%. In summary, the available evidence is currently insufficient to determine the role of this variant in disease. Therefore, it has been classified as a Variant of Uncertain Significance.